The following is an entry in ClinVar:

NM_022081.6(HPS4):c.755A>G (p.Lys252Arg)

Gene: HPS4 (HPS4 biogenesis of lysosomal organelles complex 3 subunit 2; minus strand). Cytogenetic location: 22q12.1.
Variant type: single nucleotide variant.
Coding change: c.755A>G on transcript NM_022081.6 (MANE Select); coding-DNA position 755, A replaced by G.
Protein change: p.Lys252Arg; replaces lysine 252 with arginine.
Molecular consequence: missense variant. On other transcripts: non-coding transcript variant (8).
Genome position (GRCh38, 1-based): chr22:26,465,503, T>C on the plus strand (A>G on the coding strand, the complement: HPS4 is on the minus strand). VCF-style: chr22-26465503-T-C. GRCh37 (hg19) VCF-style: chr22-26861469-T-C.
Other names: c.755A>G, p.Lys252Arg (NM_001349896.1, NM_001349898.2, NM_001349899.2 and 5 more transcripts); c.809A>G, p.Lys270Arg (NM_001349900.2, NM_001349901.1); c.740A>G, p.Lys247Arg (NM_152841.2); short protein forms K247R, K252R, K270R.
Identifiers: ClinVar variation 2616173 (VCV002616173.3), dbSNP rs141567957, ClinGen allele CA10163502.

ClinVar aggregate classification (germline): Uncertain significance. Review status: criteria provided, single submitter (1 of 4 stars). 2 submissions from 2 submitters: Uncertain significance (1). 1 of the submissions does not count toward it. Last evaluated 2023-08-04.

Conditions:
Inborn genetic diseases. Identifiers: MedGen C0950123, MeSH D030342.
HPS4-related disorder. Also called: HPS4-related condition.

Allele frequency attached by ClinVar (database versions not stated): gnomAD 0.00001; ExAC 0.00002; TOPMed 0.00002; ESP Exome Variant Server 0.00008.
gnomAD v4.1: 11 of 1,614,046 alleles (0.00068%); highest among the groups gnomAD compares: Non-Finnish European, 0.00093%; no homozygotes.

Submissions (2):

Ambry Genetics
Classification: Uncertain significance for Inborn genetic diseases. Last evaluated: 2023-08-04. Review status: criteria provided, single submitter. Criteria: Ambry Variant Classification Scheme 2023. Collection method: clinical testing. Allele origin: germline.

PreventionGenetics, part of Exact Sciences
Classification: Uncertain significance for HPS4-related condition. Last evaluated: 2024-04-18. Review status: no assertion criteria provided. Collection method: clinical testing. Allele origin: germline. Not counted in ClinVar's aggregate classification.
Comment: The HPS4 c.755A>G variant is predicted to result in the amino acid substitution p.Lys252Arg. To our knowledge, this variant has not been reported in the literature. This variant is reported in 0.00088% of alleles in individuals of European (Non-Finnish) descent in gnomAD. At this time, the clinical significance of this variant is uncertain due to the absence of conclusive functional and genetic evidence.